The following is an entry in ClinVar:

ClinVar aggregate classification (germline): Benign/Likely benign. Review status: criteria provided, multiple submitters, no conflicts (2 of 4 stars). 9 submissions from 9 submitters: Benign (8); Likely benign (1). Last evaluated 2026-02-04.

Conditions:
Hermansky-Pudlak syndrome 6 (HPS6). Identifiers: Orphanet 231512, Orphanet 79430, MedGen C3888007, MONDO:0013558, OMIM 614075.

Allele frequency attached by ClinVar (database versions not stated): gnomAD 0.07919 and 0.07862; gnomAD exomes 0.08671 and 0.09863; ExAC 0.09932; 1000 Genomes Project 30x 0.06558; 1000 Genomes Project 0.06609; ESP Exome Variant Server 0.07080; TOPMed 0.07286.

Submissions (9):

Labcorp Genetics (formerly Invitae), Labcorp
Classification: Benign. Last evaluated: 2026-02-04. Review status: criteria provided, single submitter. Criteria: Invitae Variant Classification Sherloc (09022015). Collection method: clinical testing. Allele origin: germline.

Blueprint Genetics
Classification: Likely benign. Last evaluated: 2024-11-27. Review status: criteria provided, single submitter. Criteria: ACMG Guidelines, 2015. Collection method: clinical testing. Allele origin: germline.

Mayo Clinic Laboratories, Mayo Clinic
Classification: Benign. Last evaluated: 2022-09-29. Review status: criteria provided, single submitter. Criteria: ACMG Guidelines, 2015. Collection method: clinical testing. Allele origin: germline. Observed: 95 variant alleles.

GeneDx
Classification: Benign. Last evaluated: 2018-12-24. Review status: criteria provided, single submitter. Criteria: GeneDx Variant Classification Process June 2021. Collection method: clinical testing. Allele origin: germline. Affected: yes.

Illumina Laboratory Services, Illumina
Classification: Benign for Hermansky-Pudlak syndrome 6. Last evaluated: 2018-01-12. Review status: criteria provided, single submitter. Criteria: ICSL Variant Classification Criteria 13 December 2019. Collection method: clinical testing. Allele origin: germline.
Comment: This variant was observed in the ICSL laboratory as part of a predisposition screen in an ostensibly healthy population. It had not been previously curated by ICSL or reported in the Human Gene Mutation Database (HGMD: prior to June 1st, 2018), and was therefore a candidate for classification through an automated scoring system. Utilizing variant allele frequency, disease prevalence and penetrance estimates, and inheritance mode, an automated score was calculated to assess if this variant is too frequent to cause the disease. Based on the score and internal cut-off values, a variant classified as benign is not then subjected to further curation. The score for this variant resulted in a classification of benign for this disease.

Eurofins Ntd Llc (ga)
Classification: Benign. Last evaluated: 2016-04-15. Review status: criteria provided, single submitter. Criteria: EGL Classification Definitions 2015. Collection method: clinical testing. Allele origin: germline. Observed: 12 variant alleles, 10 heterozygotes, 2 homozygotes.

Laboratory for Molecular Medicine, Mass General Brigham Personalized Medicine
Classification: Benign. Last evaluated: 2013-02-21. Review status: criteria provided, single submitter. Criteria: LMM Criteria. Collection method: clinical testing. Allele origin: germline. Observed: 11 variant alleles.
Comment: Gly172Gly in exon 1 of HPS6: This variant is not expected to have clinical signi ficance because it does not alter an amino acid residue and is not located withi n the splice consensus sequence. It has been identified in 9.9% (847/8590) of Eu ropean American chromosomes from a broad population by the NHLBI Exome Sequencin g Project (dbSNP rs3737243).

Breakthrough Genomics
Classification: Benign. Review status: criteria provided, single submitter. Criteria: ACMG Guidelines, 2015. Collection method: not provided. Allele origin: germline. Inheritance: Autosomal recessive inheritance. Affected: yes.

PreventionGenetics, part of Exact Sciences
Classification: Benign. Review status: criteria provided, single submitter. Criteria: ACMG Guidelines, 2015. Collection method: clinical testing. Allele origin: germline.

NM_024747.6(HPS6):c.516G>A (p.Gly172=)

Gene: HPS6 (HPS6 biogenesis of lysosomal organelles complex 2 subunit 3; plus strand). Cytogenetic location: 10q24.32.
Variant type: single nucleotide variant.
Coding change: c.516G>A on transcript NM_024747.6 (MANE Select); coding-DNA position 516, G replaced by A.
Protein change: p.Gly172=; no amino-acid change (glycine 172 retained).
Molecular consequence: synonymous variant.
Genome position (GRCh38, 1-based): chr10:102,065,990, G>A. VCF-style: chr10-102065990-G-A. GRCh37 (hg19) VCF-style: chr10-103825747-G-A.
Other names: p.Gly172=.
Identifiers: ClinVar variation 163683 (VCV000163683.25), dbSNP rs3737243, ClinGen allele CA176349.